The following is an entry in ClinVar:

ClinVar aggregate classification (germline): Uncertain significance (1 of 4 stars; one submission).

Conditions:
Leigh syndrome (NULS). Also called: Leigh's necrotizing encephalopathy; Leigh's disease; Leigh Syndrome (mtDNA deletion); Leigh Disease; Subacute necrotizing encephalopathy; Necrotizing encephalopathy infantile subacute of Leigh. Identifiers: Orphanet 506, MedGen C2931891, MONDO:0009723, OMIM 256000.

Submission:

Wong Mito Lab, Molecular and Human Genetics, Baylor College of Medicine
Classification: Uncertain significance for Leigh syndrome. Last evaluated: 2019-10-17. Review status: criteria provided, single submitter. Criteria: Modified ACMG Guidelines (Unpublished). Collection method: clinical testing. Allele origin: germline.
Comment: The NC_012920.1:m.9582C>T (YP_003024032.1:p.Pro126Ser) variant in MTCO3 gene is interpretated to be a Uncertain Significance variant based on the modified ACMG guidelines (unpublished). This variant meets the following evidence codes: no criteria

NC_012920.1(MT-CO3):m.9582C>T

Gene: MT-CO3 (mitochondrially encoded cytochrome c oxidase III; plus strand).
Variant type: single nucleotide variant.
Genome position: chrM-9582-C-T.
Identifiers: ClinVar variation 693186 (VCV000693186.1), dbSNP rs1603222382, ClinGen allele CA414803258.